The following is an entry in ClinVar:

NM_004364.5(CEBPA):c.778C>T (p.His260Tyr)

Gene: CEBPA (CCAAT enhancer binding protein alpha; minus strand). Cytogenetic location: 19q13.11.
Variant type: single nucleotide variant.
Coding change: c.778C>T on transcript NM_004364.5 (MANE Select); coding-DNA position 778, C replaced by T.
Protein change: p.His260Tyr; replaces histidine 260 with tyrosine.
Molecular consequence: missense variant.
Genome position (GRCh38, 1-based): chr19:33,301,637, G>A on the plus strand (C>T on the coding strand, the complement: CEBPA is on the minus strand). VCF-style: chr19-33301637-G-A. GRCh37 (hg19) VCF-style: chr19-33792543-G-A.
Other names: c.421C>T, p.His141Tyr (NM_001285829.2); c.883C>T, p.His295Tyr (NM_001287424.2); c.736C>T, p.His246Tyr (NM_001287435.2); short protein forms H246Y, H260Y, H295Y, H141Y.
Identifiers: ClinVar variation 2060821 (VCV002060821.5), dbSNP rs1383292199, ClinGen allele CA405274234.

ClinVar aggregate classification (germline): Uncertain significance. Review status: criteria provided, multiple submitters, no conflicts (2 of 4 stars). 2 submissions from 2 submitters: Uncertain significance (2). Last evaluated 2025-06-07.

Conditions:
Acute myeloid leukemia (AML). Also called: Acute myeloid leukemia, adult; AML adult; Acute non-lymphocytic leukemia; Acute granulocytic leukemia; Leukemia, acute myeloid, somatic; Leukemia, acute myelogenous, somatic. Identifiers: Orphanet 519, MedGen C0023467, MeSH D015470, MONDO:0018874, OMIM 601626, HP:0004808. Disease mechanism: Constitutively activated FLT3.
Inborn genetic diseases. Identifiers: MedGen C0950123, MeSH D030342.

Allele frequency attached by ClinVar (database versions not stated): gnomAD exomes below 0.00001.

Submissions (2):

Ambry Genetics
Classification: Uncertain significance for Inborn genetic diseases. Last evaluated: 2025-06-07. Review status: criteria provided, single submitter. Criteria: Ambry Variant Classification Scheme 2023. Collection method: clinical testing. Allele origin: germline.
Comment: The p.H260Y variant (also known as c.778C>T), located in coding exon 1 of the CEBPA gene, results from a C to T substitution at nucleotide position 778. The histidine at codon 260 is replaced by tyrosine, an amino acid with similar properties. This amino acid position is conserved. In addition, this alteration is predicted to be tolerated by in silico analysis. Based on the available evidence, the clinical significance of this variant remains unclear.

Labcorp Genetics (formerly Invitae), Labcorp
Classification: Uncertain significance for Acute myeloid leukemia. Last evaluated: 2022-03-11. Review status: criteria provided, single submitter. Criteria: Invitae Variant Classification Sherloc (09022015). Collection method: clinical testing. Allele origin: germline.
Comment: In summary, the available evidence is currently insufficient to determine the role of this variant in disease. Therefore, it has been classified as a Variant of Uncertain Significance. Algorithms developed to predict the effect of missense changes on protein structure and function (SIFT, PolyPhen-2, Align-GVGD) all suggest that this variant is likely to be tolerated. This variant has not been reported in the literature in individuals affected with CEBPA-related conditions. This variant is present in population databases (no rsID available, gnomAD 0.009%). This sequence change replaces histidine, which is basic and polar, with tyrosine, which is neutral and polar, at codon 260 of the CEBPA protein (p.His260Tyr).